The following is an entry in ClinVar:

ClinVar aggregate classification (germline): Uncertain significance. Review status: criteria provided, multiple submitters, no conflicts (2 of 4 stars). 2 submissions from 2 submitters: Uncertain significance (2). Last evaluated 2025-04-11.

Conditions:
Hereditary cancer-predisposing syndrome. Also called: Tumor predisposition; Neoplastic Syndromes, Hereditary; Hereditary Cancer Syndrome; Hereditary neoplastic syndrome. Identifiers: Orphanet 140162, MedGen C0027672, MeSH D009386, MONDO:0015356.
Ataxia-telangiectasia syndrome (AT). Also called: ATAXIA-TELANGIECTASIA, COMPLEMENTATION GROUP A; ATAXIA-TELANGIECTASIA, FRESNO VARIANT; Ataxia-telangiectasia; Ataxia-telangiectasia, complementation group D; AT, COMPLEMENTATION GROUP C; Ataxia-telangiectasia, complementation group E. Identifiers: Orphanet 100, MedGen C0004135, MONDO:0008840, OMIM 208900.

gnomAD v4.1: 1 of 1,614,130 alleles (0.000062%); no homozygotes.

Submissions (2):

Ambry Genetics
Classification: Uncertain significance for Hereditary cancer-predisposing syndrome. Last evaluated: 2025-04-11. Review status: criteria provided, single submitter. Criteria: Ambry Variant Classification Scheme 2023. Collection method: clinical testing. Allele origin: germline.
Comment: The p.E2164G variant (also known as c.6491A>G), located in coding exon 44 of the ATM gene, results from an A to G substitution at nucleotide position 6491. The glutamic acid at codon 2164 is replaced by glycine, an amino acid with similar properties. This amino acid position is highly conserved in available vertebrate species. In addition, this alteration is predicted to be deleterious by in silico analysis. Based on the available evidence, the clinical significance of this variant remains unclear.

Labcorp Genetics (formerly Invitae), Labcorp
Classification: Uncertain significance for Ataxia-telangiectasia syndrome. Last evaluated: 2022-08-21. Review status: criteria provided, single submitter. Criteria: Invitae Variant Classification Sherloc (09022015). Collection method: clinical testing. Allele origin: germline.
Comment: In summary, the available evidence is currently insufficient to determine the role of this variant in disease. Therefore, it has been classified as a Variant of Uncertain Significance. Algorithms developed to predict the effect of missense changes on protein structure and function (SIFT, PolyPhen-2, Align-GVGD) all suggest that this variant is likely to be disruptive. ClinVar contains an entry for this variant (Variation ID: 857339). This variant has not been reported in the literature in individuals affected with ATM-related conditions. This variant is not present in population databases (gnomAD no frequency). This sequence change replaces glutamic acid, which is acidic and polar, with glycine, which is neutral and non-polar, at codon 2164 of the ATM protein (p.Glu2164Gly).

NM_000051.4(ATM):c.6491A>G (p.Glu2164Gly)

Genes: ATM (ATM serine/threonine kinase; plus strand), C11orf65 (chromosome 11 open reading frame 65; minus strand). Cytogenetic location: 11q22.3.
Variant type: single nucleotide variant.
Coding change: c.6491A>G on transcript NM_000051.4 (MANE Select); coding-DNA position 6491, A replaced by G.
Protein change: p.Glu2164Gly; replaces glutamic acid 2164 with glycine.
Molecular consequence: missense variant. On other transcripts: intron variant (2).
Genome position (GRCh38, 1-based): chr11:108,321,339, A>G. VCF-style: chr11-108321339-A-G. GRCh37 (hg19) VCF-style: chr11-108192066-A-G.
Other names: c.6491A>G, p.Glu2164Gly (NM_001351834.2); c.641-12268T>C (NM_001330368.2); c.*39-12268T>C (NM_001351110.2); short protein forms E2164G.
Identifiers: ClinVar variation 857339 (VCV000857339.11), dbSNP rs1591107186, ClinGen allele CA382554020.